The following is an entry in ClinVar:

NM_001267550.2(TTN):c.73651A>G (p.Ile24551Val)

Genes: TTN (titin; minus strand), TTN-AS1 (TTN antisense RNA 1; plus strand). Cytogenetic location: 2q31.2.
Variant type: single nucleotide variant.
Coding change: c.73651A>G on transcript NM_001267550.2 (MANE Select); coding-DNA position 73651, A replaced by G.
Protein change: p.Ile24551Val; replaces isoleucine 24551 with valine.
Molecular consequence: missense variant.
Genome position (GRCh38, 1-based): chr2:178,572,481, T>C on the plus strand (A>G on the coding strand, the complement: TTN is on the minus strand). VCF-style: chr2-178572481-T-C. GRCh37 (hg19) VCF-style: chr2-179437208-T-C.
Other names: c.68728A>G, p.Ile22910Val (NM_001256850.1); c.46456A>G, p.Ile15486Val (NM_003319.4); c.65947A>G, p.Ile21983Val (NM_133378.4); c.46831A>G, p.Ile15611Val (NM_133432.3); c.47032A>G, p.Ile15678Val (NM_133437.4); short protein forms I15486V, I15611V, I15678V, I24551V, I21983V, I22910V.
Identifiers: ClinVar variation 1742142 (VCV001742142.2), dbSNP rs879246805, ClinGen allele CA60998371.
Genomic context (GRCh38, chr2:178,572,481, plus strand): 5'-TTGCAACAGTTGAATATGCTTTTCTTGTTGATTCCCGCTTTTCAACAATATAGTTCTTGA[T>C]TTTTGAACCTCCATCAAGGAGAGGTGGGTCCCATGTGAGTGTGACAGATGTCTTAGTGAC-3'
Protein context (NP_001254479.2, residues 24541-24561): DPPLLDGGSK[Ile24551Val]KNYIVEKRES

ClinVar aggregate classification (germline): Uncertain significance (1 of 4 stars; one submission).

Conditions:
Cardiovascular phenotype. Identifiers: MedGen CN230736.

Allele frequency attached by ClinVar (database versions not stated): gnomAD exomes 0.00001; TOPMed 0.00001; gnomAD 0.00002.
gnomAD v4.1: 7 of 1,612,866 alleles (0.00043%); highest among the groups gnomAD compares: African/African-American, 0.008%; no homozygotes.

Submission:

Ambry Genetics
Classification: Uncertain significance for Cardiovascular phenotype. Last evaluated: 2020-09-10. Review status: criteria provided, single submitter. Criteria: Ambry Variant Classification Scheme 2023. Collection method: clinical testing. Allele origin: germline.
Comment: The p.I15486V variant (also known as c.46456A>G), located in coding exon 153 of the TTN gene, results from an A to G substitution at nucleotide position 46456. The isoleucine at codon 15486 is replaced by valine, an amino acid with highly similar properties. This amino acid position is well conserved in available vertebrate species; however, valine is the reference amino acid in other vertebrate species. In addition, this alteration is predicted to be tolerated by in silico analysis. Since supporting evidence is limited at this time, the clinical significance of this alteration remains unclear.